The following is an entry in ClinVar:

ClinVar aggregate classification (germline): Conflicting classifications of pathogenicity. Review status: criteria provided, conflicting classifications (1 of 4 stars). 2 submissions from 2 submitters: Likely pathogenic (1); Uncertain significance (1). Last evaluated 2024-05-02.

Conditions:
Deficiency of acetyl-CoA acetyltransferase. Also called: 3-KETOTHIOLASE DEFICIENCY; 3-OXOTHIOLASE DEFICIENCY; MITOCHONDRIAL ACETOACETYL-CoA THIOLASE DEFICIENCY; Beta-ketothiolase deficiency. Identifiers: Orphanet 134, MedGen C1536500, MONDO:0008760, OMIM 203750. Disease mechanism: loss of function.

Submissions (2):

Labcorp Genetics (formerly Invitae), Labcorp
Classification: Uncertain significance for Deficiency of acetyl-CoA acetyltransferase. Last evaluated: 2024-05-02. Review status: criteria provided, single submitter. Criteria: Invitae Variant Classification Sherloc (09022015). Collection method: clinical testing. Allele origin: germline.
Comment: This sequence change replaces glycine, which is neutral and non-polar, with valine, which is neutral and non-polar, at codon 68 of the ACAT1 protein (p.Gly68Val). This variant is not present in population databases (gnomAD no frequency). This variant has not been reported in the literature in individuals affected with ACAT1-related conditions. ClinVar contains an entry for this variant (Variation ID: 196198). Advanced modeling of protein sequence and biophysical properties (such as structural, functional, and spatial information, amino acid conservation, physicochemical variation, residue mobility, and thermodynamic stability) performed at Invitae indicates that this missense variant is expected to disrupt ACAT1 protein function with a positive predictive value of 80%. In summary, the available evidence is currently insufficient to determine the role of this variant in disease. Therefore, it has been classified as a Variant of Uncertain Significance.

Eurofins Ntd Llc (ga)
Classification: Likely pathogenic. Last evaluated: 2015-03-03. Review status: criteria provided, single submitter. Criteria: EGL Classification Definitions 2015. Collection method: clinical testing. Allele origin: germline. Observed: 2 variant alleles, 2 heterozygotes.

NM_000019.4(ACAT1):c.203G>T (p.Gly68Val)

Gene: ACAT1 (acetyl-CoA acetyltransferase 1; plus strand). Cytogenetic location: 11q22.3.
Variant type: single nucleotide variant.
Coding change: c.203G>T on transcript NM_000019.4 (MANE Select); coding-DNA position 203, G replaced by T.
Protein change: p.Gly68Val; replaces glycine 68 with valine.
Molecular consequence: missense variant.
Genome position (GRCh38, 1-based): chr11:108,133,902, G>T. VCF-style: chr11-108133902-G-T. GRCh37 (hg19) VCF-style: chr11-108004629-G-T.
Other names: c.203G>T, p.Gly68Val (LRG_1400t1); short protein forms G68V.
Identifiers: ClinVar variation 196198 (VCV000196198.7), dbSNP rs794727475, ClinGen allele CA275157.